The following is an entry in ClinVar:

NM_019892.6(INPP5E):c.975C>G (p.Ala325=)

Gene: INPP5E (inositol polyphosphate-5-phosphatase E; minus strand). Cytogenetic location: 9q34.3.
Variant type: single nucleotide variant.
Coding change: c.975C>G on transcript NM_019892.6 (MANE Select); coding-DNA position 975, C replaced by G.
Protein change: p.Ala325=; no amino-acid change (alanine 325 retained).
Molecular consequence: synonymous variant.
Genome position (GRCh38, 1-based): chr9:136,434,096, G>C on the plus strand (C>G on the coding strand, the complement: INPP5E is on the minus strand). VCF-style: chr9-136434096-G-C. GRCh37 (hg19) VCF-style: chr9-139328548-G-C.
Other names: c.975C>G, p.Ala325= (NM_001318502.2); c.975C>G (NM_019892.5).
Identifiers: ClinVar variation 1112441 (VCV001112441.15), dbSNP rs143258290, ClinGen allele CA5337007.

ClinVar aggregate classification (germline): Likely benign. Review status: criteria provided, multiple submitters, no conflicts (2 of 4 stars). 3 submissions from 3 submitters: Likely benign (2). 1 of the submissions does not count toward it. Last evaluated 2025-10-20.

Conditions:
INPP5E-related disorder. Also called: INPP5E-related condition.
Joubert syndrome. Also called: JOUBERT-BOLTSHAUSER SYNDROME; Familial aplasia of the vermis. Identifiers: Orphanet 475, MedGen C5979921, MONDO:0018772.

Allele frequency attached by ClinVar (database versions not stated): 1000 Genomes Project 0.00060; 1000 Genomes Project 30x 0.00078.
gnomAD v4.1: 35 of 1,610,870 alleles (0.0022%); highest among the groups gnomAD compares: African/African-American, 0.036%; no homozygotes.

Submissions (3):

Labcorp Genetics (formerly Invitae), Labcorp
Classification: Likely benign for Joubert syndrome. Last evaluated: 2025-10-20. Review status: criteria provided, single submitter. Criteria: Invitae Variant Classification Sherloc (09022015). Collection method: clinical testing. Allele origin: germline.

Blueprint Genetics
Classification: Likely benign. Last evaluated: 2021-12-21. Review status: criteria provided, single submitter. Criteria: ACMG Guidelines, 2015. Collection method: clinical testing. Allele origin: germline.

PreventionGenetics, part of Exact Sciences
Classification: Likely benign for INPP5E-related condition. Last evaluated: 2019-08-05. Review status: no assertion criteria provided. Collection method: clinical testing. Allele origin: germline. Not counted in ClinVar's aggregate classification.
Comment: This variant is classified as likely benign based on ACMG/AMP sequence variant interpretation guidelines (Richards et al. 2015 PMID: 25741868, with internal and published modifications).